The following is an entry in ClinVar:

ClinVar aggregate classification (germline): Uncertain significance. Review status: criteria provided, multiple submitters, no conflicts (2 of 4 stars). 2 submissions from 2 submitters: Uncertain significance (2). Last evaluated 2026-09-18.

Conditions:
MED25-related disorder. Also called: MED25-related condition.
Congenital cataract-microcephaly-nevus flammeus simplex-severe intellectual disability syndrome. Also called: Basel-Vanagaite-Smirin-Yosef syndrome. Identifiers: Orphanet 464738, MedGen C4225323, MONDO:0014643, OMIM 616449.

gnomAD v4.1: 14 of 1,610,332 alleles (0.00087%); highest among the groups gnomAD compares: African/African-American, 0.0067%; no homozygotes.

Submissions (2):

PreventionGenetics, part of Exact Sciences
Classification: Uncertain significance for MED25-related condition. Last evaluated: 2026-09-18. Review status: criteria provided, single submitter. Criteria: ACMG Guidelines, 2015. Collection method: clinical testing. Allele origin: germline.
Comment: The MED25 c.1087G>A variant is predicted to result in the amino acid substitution p.Gly363Arg. To our knowledge, this variant has not been reported in the literature. This variant is reported in 0.0084% of alleles in individuals of African descent in gnomAD. At this time, the clinical significance of this variant is uncertain due to the absence of conclusive functional and genetic evidence.

Juno Genomics, Hangzhou Juno Genomics, Inc
Classification: Uncertain significance for Congenital cataract-microcephaly-nevus flammeus simplex-severe intellectual disability syndrome. Review status: criteria provided, single submitter. Criteria: ACMG Guidelines, 2015. Collection method: clinical testing. Allele origin: germline.
Comment: Absent from controls (or at extremely low frequency if recessive) in Genome Aggregation Database.

NM_030973.4(MED25):c.1087G>A (p.Gly363Arg)

Gene: MED25 (mediator complex subunit 25; plus strand). Cytogenetic location: 19q13.33.
Variant type: single nucleotide variant.
Coding change: c.1087G>A on transcript NM_030973.4 (MANE Select); coding-DNA position 1087, G replaced by A.
Protein change: p.Gly363Arg; replaces glycine 363 with arginine.
Molecular consequence: missense variant.
Genome position (GRCh38, 1-based): chr19:49,830,873, G>A. VCF-style: chr19-49830873-G-A. GRCh37 (hg19) VCF-style: chr19-50334130-G-A.
Other names: c.1087G>A, p.Gly363Arg (NM_001378355.1); short protein forms G363R.
Identifiers: ClinVar variation 4979974 (VCV004979974.2).